The following is an entry in ClinVar:

ClinVar aggregate classification (germline): Pathogenic (1 of 4 stars; one submission).

Conditions:
Familial cancer of breast. Also called: Hereditary breast cancer; hereditary breast carcinoma; BREAST CANCER, FAMILIAL. Identifiers: Orphanet 227535, MedGen C0346153, MONDO:0016419, OMIM 114480. Disease mechanism: loss of function.

Submission:

Labcorp Genetics (formerly Invitae), Labcorp
Classification: Pathogenic for Familial cancer of breast. Last evaluated: 2025-11-13. Review status: criteria provided, single submitter. Criteria: Invitae Variant Classification Sherloc (09022015). Collection method: clinical testing. Allele origin: germline.
Comment: This sequence change creates a premature translational stop signal (p.Met304Trpfs*16) in the CHEK2 gene. It is expected to result in an absent or disrupted protein product. Loss-of-function variants in CHEK2 are known to be pathogenic (PMID: 21876083, 24713400). This variant is not present in population databases (gnomAD no frequency). This variant has not been reported in the literature in individuals affected with CHEK2-related conditions. For these reasons, this variant has been classified as Pathogenic.

Literature cited by the submitters: PubMed 21876083; PubMed 24713400.

NM_007194.4(CHEK2):c.910del (p.Met304fs)

Gene: CHEK2 (checkpoint kinase 2; minus strand). Cytogenetic location: 22q12.1.
Variant type: Deletion.
Coding change: c.910del on transcript NM_007194.4 (MANE Select); coding-DNA position 910, one base deleted (A; older notation c.910delA).
Protein change: p.Met304fs; shifts the reading frame from methionine 304.
Molecular consequence: frameshift variant.
Genome position (GRCh38, 1-based): chr22:28,699,936, T deleted on the plus strand (A on the coding strand, the reverse complement: CHEK2 is on the minus strand). VCF-style (leftmost placement, unchanged base first): chr22-28699935-AT-A. GRCh37 (hg19) VCF-style: chr22-29095923-AT-A.
Other names: c.1039del, p.Met347fs (NM_001005735.3, NM_001438294.1); c.247del, p.Met83fs (NM_001257387.3, NM_001437942.1); c.709del, p.Met237fs (NM_001349956.3); c.1003del, p.Met335fs (NM_001438293.1, NM_001438295.1); c.910del, p.Met304fs (NM_145862.3); short protein forms M304fs, M347fs, M237fs, M335fs, M83fs.
Identifiers: ClinVar variation 4731156 (VCV004731156.1).
Genomic context (GRCh38, chr22:28,699,935, plus strand): 5'-CAGGTAGCTTCTTTCAGGCGTTTATTCCCCACCACTTTGTCAAACAGCTCTCCCCCTTCC[AT>A]CCTGAAACACAAAGGCAAGGCAAGGGGTTCATTCCTGGGGGAAAACGCACTTGGACAGAA-3'